The following is an entry in ClinVar:

NM_012309.5(SHANK2):c.228G>A (p.Pro76=)

Gene: SHANK2 (SH3 and multiple ankyrin repeat domains 2; minus strand). Cytogenetic location: 11q13.4.
Variant type: single nucleotide variant.
Coding change: c.228G>A on transcript NM_012309.5 (MANE Select); coding-DNA position 228, G replaced by A.
Protein change: p.Pro76=; no amino-acid change (proline 76 retained).
Molecular consequence: synonymous variant.
Genome position (GRCh38, 1-based): chr11:71,119,012, C>T on the plus strand (G>A on the coding strand, the complement: SHANK2 is on the minus strand). VCF-style: chr11-71119012-C-T. GRCh37 (hg19) VCF-style: chr11-70830058-C-T.
Other names: c.228G>A, p.Pro76= (NM_001441024.1, NM_001441025.1, NM_001441026.1 and 13 more transcripts).
Identifiers: ClinVar variation 4873756 (VCV004873756.2).
Genomic context (GRCh38, chr11:71,119,012, plus strand): 5'-TTTCAAACTCTGGGTTAATGTACACAGGATCCGCTGCTTTGCAACCCACACTGTGGCATC[C>T]GGGTTAAATCGAATGCATTTCTGCCAGGAAGGACAAAGACAGCTGATGAGTGACAGAGGA-3'
Protein context (NP_036441.2, residues 66-86): LQQTKCIRFN[Pro76=]DATVWVAKQR

ClinVar aggregate classification (germline): Likely benign (1 of 4 stars; one submission).

gnomAD v4.1: 78 of 1,551,664 alleles (0.005%); highest among the groups gnomAD compares: South Asian, 0.052%; no homozygotes.

Submission:

CeGaT Center for Human Genetics Tuebingen
Classification: Likely benign. Last evaluated: 2026-04-01. Review status: criteria provided, single submitter. Criteria: CeGaT Center For Human Genetics Tuebingen Variant Classification Criteria Version 2. Collection method: clinical testing. Allele origin: germline. Affected: yes. Observed: 1 variant allele.
Comment: SHANK2: BP4, BP7